The following is an entry in ClinVar:

ClinVar aggregate classification (germline): Likely pathogenic (1 of 4 stars; one submission).

Conditions:
Congenital disorder of deglycosylation 2 (CDDG2). Identifiers: MedGen C5676931, MONDO:0030770, OMIM 619775.

Submission:

First Genomix Gene Laboratory, Genetic Diagnostics Department
Classification: Likely pathogenic for Congenital disorder of deglycosylation 2. Last evaluated: 2025-09-04. Review status: criteria provided, single submitter. Criteria: ACMG Guidelines, 2015. Collection method: clinical testing. Allele origin: germline. Inheritance: Autosomal recessive inheritance. Affected: no. Observed: 1 variant allele.

NM_006715.4(MAN2C1):c.639_643del (p.Tyr214fs)

Gene: MAN2C1 (mannosidase alpha class 2C member 1; minus strand). Cytogenetic location: 15q24.2.
Variant type: Deletion.
Coding change: c.639_643del on transcript NM_006715.4 (MANE Select); coding-DNA positions 639 to 643, 5 bases deleted (GTACA; older notation c.639_643delGTACA).
Protein change: p.Tyr214fs; shifts the reading frame from tyrosine 214.
Molecular consequence: frameshift variant. On other transcripts: intron variant (1).
Genome position (GRCh38, 1-based): chr15:75,364,146-75,364,150, TGTAC deleted on the plus strand (GTACA on the coding strand, the reverse complement: MAN2C1 is on the minus strand). VCF-style (leftmost placement, unchanged base first): chr15-75364145-GTGTAC-G. GRCh37 (hg19) VCF-style: chr15-75656486-GTGTAC-G.
Other names: c.639_643del, p.Tyr214fs (NM_001256494.2, NM_001256495.2); c.600+338_600+342del (NM_001256496.2); short protein forms Y214fs.
Identifiers: ClinVar variation 4850285 (VCV004850285.1).